The following is an entry in ClinVar:

ClinVar aggregate classification (germline): Uncertain significance (1 of 4 stars; one submission).

Conditions:
Benign neonatal seizures. Also called: Benign familial neonatal seizures; Benign familial neonatal epilepsy; Benign neonatal familial convulsions; Convulsions benign familial neonatal dominant form; Autosomal dominant form of benign neonatal seizures. Identifiers: Orphanet 1949, MedGen C0220669, MONDO:0016027.

Submission:

Labcorp Genetics (formerly Invitae), Labcorp
Classification: Uncertain significance for Benign neonatal seizures. Last evaluated: 2022-04-15. Review status: criteria provided, single submitter. Criteria: Invitae Variant Classification Sherloc (09022015). Collection method: clinical testing. Allele origin: germline.
Comment: This variant is not present in population databases (gnomAD no frequency). This sequence change falls in intron 8 of the KCNQ3 gene. It does not directly change the encoded amino acid sequence of the KCNQ3 protein. It affects a nucleotide within the consensus splice site. This variant has not been reported in the literature in individuals affected with KCNQ3-related conditions. In summary, the available evidence is currently insufficient to determine the role of this variant in disease. Therefore, it has been classified as a Variant of Uncertain Significance. Variants that disrupt the consensus splice site are a relatively common cause of aberrant splicing (PMID: 17576681, 9536098). Algorithms developed to predict the effect of sequence changes on RNA splicing suggest that this variant is not likely to affect RNA splicing.

Literature cited by the submitters: PubMed 17576681; PubMed 9536098.

NM_004519.4(KCNQ3):c.1236-3T>C

Gene: KCNQ3 (potassium voltage-gated channel subfamily Q member 3; minus strand). Cytogenetic location: 8q24.22.
Variant type: single nucleotide variant.
Coding change: c.1236-3T>C on transcript NM_004519.4 (MANE Select); 3 bases into the intron before coding-DNA position 1236, T replaced by C.
Molecular consequence: intron variant.
Genome position (GRCh38, 1-based): chr8:132,163,497, A>G on the plus strand (T>C on the coding strand, the complement: KCNQ3 is on the minus strand). VCF-style: chr8-132163497-A-G. GRCh37 (hg19) VCF-style: chr8-133175744-A-G.
Other names: c.876-3T>C (NM_001204824.2).
Identifiers: ClinVar variation 2126615 (VCV002126615.4), dbSNP rs2536921627, ClinGen allele CA2580078582.
Genomic context (GRCh38, chr8:132,163,497, plus strand): 5'-TGAAGAAGGGAATTCATAATCAGAAACTTACCTGGATGCTGCCTCCAGCTGTTCTTTCCT[A>G]GAAAGAGAAGAGGGAGAAAAAATAAAGCATAAATTACGTGAAACAGCTGTATCCTTCCTC-3'